The following is an entry in ClinVar:

ClinVar aggregate classification (germline): Uncertain significance (1 of 4 stars; one submission).

Conditions:
Cardiovascular phenotype. Identifiers: MedGen CN230736.

Submission:

Ambry Genetics
Classification: Uncertain significance for Cardiovascular phenotype. Last evaluated: 2020-03-24. Review status: criteria provided, single submitter. Criteria: Ambry Variant Classification Scheme 2023. Collection method: clinical testing. Allele origin: germline.
Comment: The p.E3050D variant (also known as c.9150A>T), located in coding exon 37 of the TTN gene, results from an A to T substitution at nucleotide position 9150. The glutamic acid at codon 3050 is replaced by aspartic acid, an amino acid with highly similar properties. This amino acid position is highly conserved in available vertebrate species. In addition, this alteration is predicted to be tolerated by in silico analysis. Since supporting evidence is limited at this time, the clinical significance of this alteration remains unclear.

NM_001267550.2(TTN):c.9288A>T (p.Glu3096Asp)

Gene: TTN (titin; minus strand). Cytogenetic location: 2q31.2.
Variant type: single nucleotide variant.
Coding change: c.9288A>T on transcript NM_001267550.2 (MANE Select); coding-DNA position 9288, A replaced by T.
Protein change: p.Glu3096Asp; replaces glutamic acid 3096 with aspartic acid.
Molecular consequence: missense variant.
Genome position (GRCh38, 1-based): chr2:178,768,031, T>A on the plus strand (A>T on the coding strand, the complement: TTN is on the minus strand). VCF-style: chr2-178768031-T-A. GRCh37 (hg19) VCF-style: chr2-179632758-T-A.
Other names: c.9288A>T, p.Glu3096Asp (NM_001256850.1, NM_133378.4, NM_133379.5); c.9150A>T, p.Glu3050Asp (NM_003319.4, NM_133432.3, NM_133437.4); short protein forms E3096D, E3050D.
Identifiers: ClinVar variation 1765971 (VCV001765971.2), dbSNP rs1407034693, ClinGen allele CA349675490.
Genomic context (GRCh38, chr2:178,768,031, plus strand): 5'-GAAACTGGGAATTACTGGAATGTAGCAAGACAAAACAACTGACCTGTCTGTGATCTGCAG[T>A]TCCTGGTCATCTTTCATCCACTGTACAGTGATGTCAGGTTCAGAAACTTCACATTCAAAC-3'
Protein context (NP_001254479.2, residues 3086-3106): ITVQWMKDDQ[Glu3096Asp]LQITDRIKIQ